The following is an entry in ClinVar:

NM_004655.4(AXIN2):c.166A>C (p.Arg56=)

Gene: AXIN2 (axin 2; minus strand). Cytogenetic location: 17q24.1.
Variant type: single nucleotide variant.
Coding change: c.166A>C on transcript NM_004655.4 (MANE Select); coding-DNA position 166, A replaced by C.
Protein change: p.Arg56=; no amino-acid change (arginine 56 retained).
Molecular consequence: synonymous variant.
Genome position (GRCh38, 1-based): chr17:65,558,455, T>G on the plus strand (A>C on the coding strand, the complement: AXIN2 is on the minus strand). VCF-style: chr17-65558455-T-G. GRCh37 (hg19) VCF-style: chr17-63554573-T-G.
Other names: c.166A>C, p.Arg56= (NM_001363813.1).
Identifiers: ClinVar variation 696570 (VCV000696570.15), dbSNP rs1431601772, ClinGen allele CA501691512.

ClinVar aggregate classification (germline): Benign/Likely benign. Review status: criteria provided, multiple submitters, no conflicts (2 of 4 stars). 4 submissions from 4 submitters: Benign (1); Likely benign (3). Last evaluated 2024-12-24.

Conditions:
Oligodontia-cancer predisposition syndrome. Also called: TOOTH AGENESIS-COLORECTAL CANCER SYNDROME. Identifiers: Orphanet 300576, MedGen C1837750, MONDO:0012075, OMIM 608615. Disease mechanism: loss of function.
Hereditary cancer-predisposing syndrome. Also called: Neoplastic Syndromes, Hereditary; Hereditary Cancer Syndrome; Tumor predisposition; Hereditary neoplastic syndrome. Identifiers: Orphanet 140162, MedGen C0027672, MeSH D009386, MONDO:0015356.

Allele frequency attached by ClinVar (database versions not stated): gnomAD exomes below 0.00001.
gnomAD v4.1: 2 of 1,601,276 alleles (0.00012%); highest among the groups gnomAD compares: Non-Finnish European, 0.00017%; no homozygotes.

Submissions (4):

Labcorp Genetics (formerly Invitae), Labcorp
Classification: Likely benign for Oligodontia-cancer predisposition syndrome. Last evaluated: 2024-12-24. Review status: criteria provided, single submitter. Criteria: Invitae Variant Classification Sherloc (09022015). Collection method: clinical testing. Allele origin: germline.

Myriad Genetics, Inc.
Classification: Benign for Oligodontia-cancer predisposition syndrome. Last evaluated: 2024-06-25. Review status: criteria provided, single submitter. Criteria: Myriad Autosomal Dominant, Autosomal Recessive and X-Linked Classification Criteria (2023). Collection method: clinical testing. Allele origin: unknown.
Comment: This variant is considered benign. This variant is a silent/synonymous amino acid change and it is not expected to impact splicing.

Ambry Genetics
Classification: Likely benign for Hereditary cancer-predisposing syndrome. Last evaluated: 2020-11-26. Review status: criteria provided, single submitter. Criteria: Ambry Variant Classification Scheme 2023. Collection method: clinical testing. Allele origin: germline.

GeneDx
Classification: Likely benign. Last evaluated: 2019-07-10. Review status: criteria provided, single submitter. Criteria: GeneDx Variant Classification Process June 2021. Collection method: clinical testing. Allele origin: germline. Affected: yes.